The following is an entry in ClinVar:

NM_012179.4(FBXO7):c.803A>G (p.Asn268Ser)

Gene: FBXO7 (F-box protein 7; plus strand). Cytogenetic location: 22q12.3.
Variant type: single nucleotide variant.
Coding change: c.803A>G on transcript NM_012179.4 (MANE Select); coding-DNA position 803, A replaced by G.
Protein change: p.Asn268Ser; replaces asparagine 268 with serine.
Molecular consequence: missense variant.
Genome position (GRCh38, 1-based): chr22:32,487,760, A>G. VCF-style: chr22-32487760-A-G. GRCh37 (hg19) VCF-style: chr22-32883747-A-G.
Other names: c.566A>G, p.Asn189Ser (NM_001033024.2); c.461A>G, p.Asn154Ser (NM_001257990.2); short protein forms N154S, N189S, N268S.
Identifiers: ClinVar variation 1302395 (VCV001302395.7), dbSNP rs188111542, ClinGen allele CA10201537.
Genomic context (GRCh38, chr22:32,487,760, plus strand): 5'-TGAAGTGACAGAATTCTTTATCATCTTTCTTTTGTTTATTTACAGCTACACTAAAAATCA[A>G]CAATGAGATTAGAAGTGTGAAAAGATTGCAGCTGCTACCAGAATCTTTTATTTGCAAAGA-3'
Protein context (NP_036311.3, residues 258-278): LIVVNATLKI[Asn268Ser]NEIRSVKRLQ

ClinVar aggregate classification (germline): Uncertain significance. Review status: criteria provided, multiple submitters, no conflicts (2 of 4 stars). 3 submissions from 3 submitters: Uncertain significance (3). Last evaluated 2021-09-21.

Conditions:
Parkinsonian-pyramidal syndrome. Also called: PALLIDOPYRAMIDAL SYNDROME; PARKINSON DISEASE 15, AUTOSOMAL RECESSIVE; PARKINSON DISEASE 15, AUTOSOMAL RECESSIVE EARLY-ONSET. Identifiers: Orphanet 171695, MedGen C1850100, MONDO:0009830, OMIM 260300.

Allele frequency attached by ClinVar (database versions not stated): TOPMed 0.00002; gnomAD 0.00004; gnomAD exomes 0.00006 and 0.00010; ExAC 0.00012; 1000 Genomes Project 0.00060; 1000 Genomes Project 30x 0.00062.
gnomAD v4.1: 96 of 1,607,484 alleles (0.006%); highest among the groups gnomAD compares: Middle Eastern, 0.099%; 1 homozygote.

Submissions (3):

Fulgent Genetics
Classification: Uncertain significance for Parkinsonian-pyramidal syndrome. Last evaluated: 2021-09-21. Review status: criteria provided, single submitter. Criteria: ACMG Guidelines, 2015. Collection method: clinical testing. Allele origin: unknown.

Labcorp Genetics (formerly Invitae), Labcorp
Classification: Uncertain significance for Parkinsonian-pyramidal syndrome. Last evaluated: 2021-09-17. Review status: criteria provided, single submitter. Criteria: Invitae Variant Classification Sherloc (09022015). Collection method: clinical testing. Allele origin: germline.
Comment: This sequence change replaces asparagine with serine at codon 268 of the FBXO7 protein (p.Asn268Ser). The asparagine residue is highly conserved and there is a small physicochemical difference between asparagine and serine. This variant is present in population databases (rs188111542, ExAC 0.06%). This variant has been observed in individual(s) with clinical features of Parkinson disease (PMID: 26882974, 30502028). Algorithms developed to predict the effect of missense changes on protein structure and function output the following: SIFT: "Deleterious"; PolyPhen-2: "Benign"; Align-GVGD: "Class C45". The serine amino acid residue is found in multiple mammalian species, which suggests that this missense change does not adversely affect protein function. In summary, the available evidence is currently insufficient to determine the role of this variant in disease. Therefore, it has been classified as a Variant of Uncertain Significance.

GeneDx
Classification: Uncertain significance. Last evaluated: 2021-02-09. Review status: criteria provided, single submitter. Criteria: GeneDx Variant Classification Process June 2021. Collection method: clinical testing. Allele origin: germline. Affected: yes.
Comment: In silico analysis supports that this missense variant does not alter protein structure/function; This variant is associated with the following publications: (PMID: 26882974, 30502028)

Literature cited by the submitters: PubMed 26882974 (cited by Labcorp Genetics (formerly Invitae), Labcorp); PubMed 30502028 (cited by Labcorp Genetics (formerly Invitae), Labcorp).